The following is an entry in ClinVar:

ClinVar aggregate classification (germline): Benign/Likely benign. Review status: criteria provided, multiple submitters, no conflicts (2 of 4 stars). 2 submissions from 2 submitters: Benign (1); Likely benign (1). Last evaluated 2026-08-03.

Conditions:
Familial colorectal cancer type X. Identifiers: Orphanet 440437, MedGen C3896578, MONDO:0018604.

Submissions (2):

Myriad Genetics, Inc.
Classification: Benign for Familial colorectal cancer type X. Last evaluated: 2026-08-03. Review status: criteria provided, single submitter. Criteria: Myriad Autosomal Dominant, Autosomal Recessive and X-Linked Classification Criteria (2023). Collection method: clinical testing. Allele origin: unknown.
Comment: This variant is considered benign. This variant is a silent/synonymous amino acid change and it is not expected to impact splicing.

Ambry Genetics
Classification: Likely benign. Last evaluated: 2025-12-20. Review status: criteria provided, single submitter. Criteria: Ambry Variant Classification Scheme 2023. Collection method: clinical testing. Allele origin: germline.

NM_001023.4(RPS20):c.96G>A (p.Leu32=)

Gene: RPS20 (ribosomal protein S20; minus strand). Cytogenetic location: 8q12.1.
Variant type: single nucleotide variant.
Coding change: c.96G>A on transcript NM_001023.4 (MANE Select); coding-DNA position 96, G replaced by A.
Protein change: p.Leu32=; no amino-acid change (leucine 32 retained).
Molecular consequence: synonymous variant.
Genome position (GRCh38, 1-based): chr8:56,074,067, C>T on the plus strand (G>A on the coding strand, the complement: RPS20 is on the minus strand). VCF-style: chr8-56074067-C-T. GRCh37 (hg19) VCF-style: chr8-56986626-C-T.
Other names: c.96G>A, p.Leu32= (NM_001146227.3).
Identifiers: ClinVar variation 4841527 (VCV004841527.2).
Genomic context (GRCh38, chr8:56,074,067, plus strand): 5'-CTCGTCGCTTTTCGCCCAATTCCCCCTCCCCCCCGCATAACGAATGCACTGACCCTTTTC[C>T]AAGGATTTTACGTTGCGGCTTGTTAGGGTGATTCGAATTCGGTGAATTGCCACCTCCGGC-3'
Protein context (NP_001014.1, residues 22-42): ITLTSRNVKS[Leu32=]EKVCADLIRG